The following is an entry in ClinVar:

NM_016219.5(MAN1B1):c.1444C>T (p.Gln482Ter)

Gene: MAN1B1 (mannosidase alpha class 1B member 1; plus strand). Cytogenetic location: 9q34.3.
Variant type: single nucleotide variant.
Coding change: c.1444C>T on transcript NM_016219.5 (MANE Select); coding-DNA position 1444, C replaced by T.
Protein change: p.Gln482Ter; replaces glutamine 482 with a stop codon.
Molecular consequence: nonsense. On other transcripts: non-coding transcript variant (2).
Genome position (GRCh38, 1-based): chr9:137,106,314, C>T. VCF-style: chr9-137106314-C-T. GRCh37 (hg19) VCF-style: chr9-140000766-C-T.
Other names: short protein forms Q482*.
Identifiers: ClinVar variation 1030542 (VCV001030542.1), dbSNP rs1831100789, ClinGen allele CA375655991.

ClinVar aggregate classification (germline): Pathogenic (1 of 4 stars; one submission).

Conditions:
Rafiq syndrome (RAFQS). Identifiers: Orphanet 88616, MedGen C3280127, MONDO:0013624, OMIM 614202.

Submission:

Baylor Genetics
Classification: Pathogenic for Rafiq syndrome. Last evaluated: 2019-12-26. Review status: criteria provided, single submitter. Criteria: ACMG Guidelines, 2015. Collection method: clinical testing. Allele origin: unknown. Affected: yes.
Comment: This variant was determined to be pathogenic according to ACMG Guidelines, 2015 [PMID:25741868].